The following is an entry in ClinVar:

ClinVar aggregate classification (germline): Likely benign (1 of 4 stars; one submission).

Conditions:
Leigh syndrome (NULS). Also called: Leigh's necrotizing encephalopathy; Leigh's disease; Leigh Syndrome (mtDNA deletion); Leigh Disease; Subacute necrotizing encephalopathy; Necrotizing encephalopathy infantile subacute of Leigh. Identifiers: Orphanet 506, MedGen C2931891, MONDO:0009723, OMIM 256000.

Submission:

Wong Mito Lab, Molecular and Human Genetics, Baylor College of Medicine
Classification: Likely benign for Leigh syndrome. Last evaluated: 2019-10-17. Review status: criteria provided, single submitter. Criteria: Modified ACMG Guidelines (Unpublished). Collection method: clinical testing. Allele origin: germline.
Comment: The NC_012920.1:m.8989G>A (YP_003024031.1:p.Ala155Thr) variant in MTATP6 gene is interpretated to be a Likely Benign variant based on the modified ACMG guidelines (unpublished). This variant meets the following evidence codes: BS1, BP6

NC_012920.1(MT-ATP6):m.8989G>A

Gene: MT-ATP6 (mitochondrially encoded ATP synthase 6; plus strand).
Variant type: single nucleotide variant.
Genome position: chrM-8989-G-A.
Identifiers: ClinVar variation 693046 (VCV000693046.1), dbSNP rs587776444, ClinGen allele CA414801774.
Genomic context (GRCh38, chrMT:8,989, plus strand): 5'-ACACCCCTTATCCCCATACTAGTTATTATCGAAACCATCAGCCTACTCATTCAACCAATA[G>A]CCCTGGCCGTACGCCTAACCGCTAACATTACTGCAGGCCACCTACTCATGCACCTAATTG-3'